The following is an entry in ClinVar:

NM_000020.3(ACVRL1):c.526-1G>A

Gene: ACVRL1 (activin A receptor like type 1; plus strand). Cytogenetic location: 12q13.13.
Variant type: single nucleotide variant.
Coding change: c.526-1G>A on transcript NM_000020.3 (MANE Select); the canonical splice acceptor site of the intron before coding-DNA position 526, G replaced by A.
Molecular consequence: splice acceptor variant. On other transcripts: intron variant (6).
Genome position (GRCh38, 1-based): chr12:51,913,973, G>A. VCF-style: chr12-51913973-G-A. GRCh37 (hg19) VCF-style: chr12-52307757-G-A.
Other names: c.526-1G>A (NM_001406487.1, NM_001406488.1, NM_001077401.2 and 1 more transcripts); c.314-466G>A (NM_001406491.1, NM_001406490.1, NM_001406492.1 and 2 more transcripts); c.62-466G>A (NM_001406495.1).
Identifiers: ClinVar variation 570721 (VCV000570721.13), dbSNP rs1565593274, ClinGen allele CA384899413.

ClinVar aggregate classification (germline): Pathogenic/Likely pathogenic. Review status: criteria provided, multiple submitters, no conflicts (2 of 4 stars). 2 submissions from 2 submitters: Pathogenic (1); Likely pathogenic (1). Last evaluated 2019-08-21.

Conditions:
Cardiovascular phenotype. Identifiers: MedGen CN230736.
Telangiectasia, hereditary hemorrhagic, type 2 (HHT2). Also called: ACVRL1-Related Hereditary Hemorrhagic Telangiectasia; Telangiectasia, hereditary hemorrhagic, type II. Identifiers: Orphanet 774, MedGen C1838163, MONDO:0010880, OMIM 600376. Disease mechanism: loss of function.

Submissions (2):

Labcorp Genetics (formerly Invitae), Labcorp
Classification: Pathogenic for Telangiectasia, hereditary hemorrhagic, type 2. Last evaluated: 2019-08-21. Review status: criteria provided, single submitter. Criteria: Invitae Variant Classification Sherloc (09022015). Collection method: clinical testing. Allele origin: germline.
Comment: This sequence change affects an acceptor splice site in intron 4 of the ACVRL1 gene. It is expected to disrupt RNA splicing and likely results in an absent or disrupted protein product. This variant is not present in population databases (ExAC no frequency). Algorithms developed to predict the effect of sequence changes on RNA splicing suggest that this variant may disrupt the consensus splice site, but this prediction has not been confirmed by published transcriptional studies. Donor and acceptor splice site variants typically lead to a loss of protein function (PMID: 16199547), and loss-of-function variants in ACVRL1 are known to be pathogenic (PMID: 15879500). For these reasons, this variant has been classified as Pathogenic.

Ambry Genetics
Classification: Likely pathogenic for Cardiovascular phenotype. Last evaluated: 2018-01-02. Review status: criteria provided, single submitter. Criteria: Ambry Variant Classification Scheme 2023. Collection method: clinical testing. Allele origin: germline.
Comment: The c.526-1G>A intronic variant results from a G to A substitution one nucleotide upstream from coding exon 4 of the ACVRL1 gene. This nucleotide position is highly conserved in available vertebrate species. Using the BDGP and ESEfinder splice site prediction tools, this alteration is predicted to abolish the native splice acceptor site; however, direct evidence is unavailable. Alterations that disrupt the canonical splice site are expected to cause aberrant splicing, resulting in an abnormal protein or a transcript that is subject to nonsense-mediated mRNA decay. As such, this alteration is classified as likely pathogenic.

Literature cited by the submitters: PubMed 16199547 (cited by Labcorp Genetics (formerly Invitae), Labcorp); PubMed 15879500 (cited by Labcorp Genetics (formerly Invitae), Labcorp).